The following is an entry in ClinVar:

ClinVar aggregate classification (germline): Uncertain significance (1 of 4 stars; one submission).

Conditions:
Dyskeratosis congenita, autosomal recessive 5 (DKCB5). Identifiers: MedGen C3554656, MONDO:0014076, OMIM 615190.
Pulmonary fibrosis and/or bone marrow failure, Telomere-related, 3. Also called: PULMONARY FIBROSIS AND/OR BONE MARROW FAILURE SYNDROME, TELOMERE-RELATED, 3. Identifiers: Orphanet 2032, MedGen C4225346, MONDO:0014613, OMIM 616373.

gnomAD v4.1: 14 of 1,565,502 alleles (0.00089%); highest among the groups gnomAD compares: Non-Finnish European, 0.0012%; no homozygotes.

Submission:

Labcorp Genetics (formerly Invitae), Labcorp
Classification: Uncertain significance for Dyskeratosis congenita, autosomal recessive 5; Pulmonary fibrosis and/or bone marrow failure, Telomere-related, 3. Last evaluated: 2024-08-11. Review status: criteria provided, single submitter. Criteria: Invitae Variant Classification Sherloc (09022015). Collection method: clinical testing. Allele origin: germline.
Comment: This sequence change falls in intron 17 of the RTEL1 gene. It does not directly change the encoded amino acid sequence of the RTEL1 protein. It affects a nucleotide within the consensus splice site. This variant is present in population databases (no rsID available, gnomAD 0.003%). This variant has not been reported in the literature in individuals affected with RTEL1-related conditions. Variants that disrupt the consensus splice site are a relatively common cause of aberrant splicing (PMID: 17576681, 9536098). Algorithms developed to predict the effect of sequence changes on RNA splicing suggest that this variant is not likely to affect RNA splicing. In summary, the available evidence is currently insufficient to determine the role of this variant in disease. Therefore, it has been classified as a Variant of Uncertain Significance.

Literature cited by the submitters: PubMed 17576681; PubMed 9536098.

NM_001283009.2(RTEL1):c.1481+6G>A

Genes: RTEL1 (regulator of telomere elongation helicase 1; plus strand), RTEL1-TNFRSF6B (RTEL1-TNFRSF6B readthrough (NMD candidate); plus strand). Cytogenetic location: 20q13.33.
Variant type: single nucleotide variant.
Coding change: c.1481+6G>A on transcript NM_001283009.2 (MANE Select); 6 bases into the intron after coding-DNA position 1481, G replaced by A.
Molecular consequence: intron variant.
Genome position (GRCh38, 1-based): chr20:63,687,776, G>A. VCF-style: chr20-63687776-G-A. GRCh37 (hg19) VCF-style: chr20-62319129-G-A.
Other names: c.812+6G>A (NM_001283010.1); c.1553+6G>A (NM_032957.5); c.1481+6G>A (NM_016434.4).
Identifiers: ClinVar variation 3761817 (VCV003761817.2).